The following is an entry in ClinVar:

ClinVar aggregate classification (germline): Uncertain significance. Review status: criteria provided, multiple submitters, no conflicts (2 of 4 stars). 2 submissions from 2 submitters: Uncertain significance (2). Last evaluated 2025-11-13.

Conditions:
Inborn genetic diseases. Identifiers: MedGen C0950123, MeSH D030342.
RYR1-related disorder. Also called: RYR1-related condition; RYR1-related disorders. Identifiers: MedGen CN239331.

Allele frequency attached by ClinVar (database versions not stated): gnomAD 0.00003.
gnomAD v4.1: 8 of 1,411,372 alleles (0.00057%); highest among the groups gnomAD compares: Admixed American, 0.019%; no homozygotes.

Submissions (2):

Ambry Genetics
Classification: Uncertain significance for Inborn genetic diseases. Last evaluated: 2025-11-13. Review status: criteria provided, single submitter. Criteria: Ambry Variant Classification Scheme 2023. Collection method: clinical testing. Allele origin: germline.
Comment: The c.13288G>T (p.G4430W) alteration is located in exon 91 (coding exon 91) of the RYR1 gene. This alteration results from a G to T substitution at nucleotide position 13288, causing the glycine (G) at amino acid position 4430 to be replaced by a tryptophan (W). Based on data from gnomAD, the T allele has an overall frequency of 0.002% (1/59658) total alleles studied. The highest observed frequency was 0.016% (1/6232) of Latino alleles. Based on insufficient or conflicting evidence, the clinical significance of this alteration remains unclear.

Labcorp Genetics (formerly Invitae), Labcorp
Classification: Uncertain significance for RYR1-related disorder. Last evaluated: 2024-11-18. Review status: criteria provided, single submitter. Criteria: Invitae Variant Classification Sherloc (09022015). Collection method: clinical testing. Allele origin: germline.
Comment: This sequence change replaces glycine, which is neutral and non-polar, with tryptophan, which is neutral and slightly polar, at codon 4430 of the RYR1 protein (p.Gly4430Trp). This variant is not present in population databases (gnomAD no frequency). This variant has not been reported in the literature in individuals affected with RYR1-related conditions. ClinVar contains an entry for this variant (Variation ID: 1345584). Invitae Evidence Modeling of protein sequence and biophysical properties (such as structural, functional, and spatial information, amino acid conservation, physicochemical variation, residue mobility, and thermodynamic stability) indicates that this missense variant is not expected to disrupt RYR1 protein function with a negative predictive value of 95%. In summary, the available evidence is currently insufficient to determine the role of this variant in disease. Therefore, it has been classified as a Variant of Uncertain Significance.

NM_000540.3(RYR1):c.13288G>T (p.Gly4430Trp)

Genes: RYR1 (ryanodine receptor 1; plus strand), LOC130064357 (ATAC-STARR-seq lymphoblastoid silent region 10577; plus strand). Cytogenetic location: 19q13.2.
Variant type: single nucleotide variant.
Coding change: c.13288G>T on transcript NM_000540.3 (MANE Select); coding-DNA position 13288, G replaced by T.
Protein change: p.Gly4430Trp; replaces glycine 4430 with tryptophan.
Molecular consequence: missense variant.
Genome position (GRCh38, 1-based): chr19:38,565,622, G>T. VCF-style: chr19-38565622-G-T. GRCh37 (hg19) VCF-style: chr19-39056262-G-T.
Other names: c.13288G>T (NM_000540.2); c.13273G>T, p.Gly4425Trp (NM_001042723.2); short protein forms G4425W, G4430W.
Identifiers: ClinVar variation 1345584 (VCV001345584.6), dbSNP rs1192218827, ClinGen allele CA405674792.
Genomic context (GRCh38, chr19:38,565,622, plus strand): 5'-GAGGGCGCTGGAGACGCCGCGGAGGGCGCTGGAGACGAGGAGGAGGCGGTGCACGAGGCC[G>T]GGCCGGGCGGTGCCGACGGGGCGGTGGCCGTGACCGATGGGGGCCCCTTCCGGCCCGAAG-3'
Protein context (NP_000531.2, residues 4420-4440): GDEEEAVHEA[Gly4430Trp]PGGADGAVAV